The following is an entry in ClinVar:

NM_001267550.2(TTN):c.70625T>C (p.Met23542Thr)

Genes: TTN (titin; minus strand), TTN-AS1 (TTN antisense RNA 1; plus strand), LOC126806422 (BRD4-independent group 4 enhancer GRCh37_chr2:179440205-179441404; plus strand). Cytogenetic location: 2q31.2.
Variant type: single nucleotide variant.
Coding change: c.70625T>C on transcript NM_001267550.2 (MANE Select); coding-DNA position 70625, T replaced by C.
Protein change: p.Met23542Thr; replaces methionine 23542 with threonine.
Molecular consequence: missense variant.
Genome position (GRCh38, 1-based): chr2:178,575,507, A>G on the plus strand (T>C on the coding strand, the complement: TTN is on the minus strand). VCF-style: chr2-178575507-A-G. GRCh37 (hg19) VCF-style: chr2-179440234-A-G.
Other names: c.62921T>C, p.Met20974Thr (NM_133378.4); c.65702T>C, p.Met21901Thr (NM_001256850.1); c.43430T>C, p.Met14477Thr (NM_003319.4); c.43805T>C, p.Met14602Thr (NM_133432.3); c.44006T>C, p.Met14669Thr (NM_133437.4); short protein forms M20974T, M23542T, M14477T, M14602T, M14669T, M21901T.
Identifiers: ClinVar variation 165858 (VCV000165858.5), dbSNP rs727503570, ClinGen allele CA178536.
Genomic context (GRCh38, chr2:178,575,507, plus strand): 5'-CTGCCACCATCGTGTTTGGGCTTAGGCCATGCCAGGCTGACGGTGCTCTTAGTTATGTCC[A>G]TGATGTTAAGGCTGTCTGGTGGAGATGGTGCTTCAGAGGCTTTTACGGGCTCTGTAGTTT-3'
Protein context (NP_001254479.2, residues 23532-23552): APSPPDSLNI[Met23542Thr]DITKSTVSLA

ClinVar aggregate classification (germline): Uncertain significance (1 of 4 stars; one submission).

gnomAD v4.1: 2 of 1,613,642 alleles (0.00012%); highest among the groups gnomAD compares: African/African-American, 0.0013%; no homozygotes.

Submission:

Laboratory for Molecular Medicine, Mass General Brigham Personalized Medicine
Classification: Uncertain significance. Last evaluated: 2013-07-17. Review status: criteria provided, single submitter. Criteria: LMM Criteria. Collection method: clinical testing. Allele origin: germline. Observed: 1 variant allele.
Comment: Variant classified as Uncertain Significance - Favor Benign. The Met20974Thr var iant in TTN has not been reported in individuals with cardiomyopathy or in large population studies. Methionine at position 20974 is not conserved in evolutiona rily distant species and multiple fish carry a threonine (Thr; this variant), su ggesting that this change may be tolerated. Additional computational analyses (b iochemical amino acid properties, AlignGVGD, PolyPhen2, and SIFT) do not provide strong support for or against an impact to the protein. In summary, the presenc e of this variant in multiple other species suggests that it is more likely beni gn, but additional information is needed to fully assess its clinical significan ce.